The following is an entry in ClinVar:

NM_001378414.1(HDAC4):c.2952C>T (p.Thr984=)

Gene: HDAC4 (histone deacetylase 4; minus strand). Cytogenetic location: 2q37.3.
Variant type: single nucleotide variant.
Coding change: c.2952C>T on transcript NM_001378414.1 (MANE Select); coding-DNA position 2952, C replaced by T.
Protein change: p.Thr984=; no amino-acid change (threonine 984 retained).
Molecular consequence: synonymous variant.
Genome position (GRCh38, 1-based): chr2:239,066,773, G>A on the plus strand (C>T on the coding strand, the complement: HDAC4 is on the minus strand). VCF-style: chr2-239066773-G-A. GRCh37 (hg19) VCF-style: chr2-239988469-G-A.
Other names: c.2952C>T, p.Thr984= (NM_001378415.1); c.2937C>T, p.Thr979= (NM_001378416.1, NM_001378417.1, NM_006037.4); c.2937C>T (NM_006037.3).
Identifiers: ClinVar variation 3026182 (VCV003026182.23), dbSNP rs571230042, ClinGen allele CA2199106.

ClinVar aggregate classification (germline): Likely benign. Review status: criteria provided, multiple submitters, no conflicts (2 of 4 stars). 2 submissions from 2 submitters: Likely benign (2). Last evaluated 2025-03-01.

Conditions:
Inborn genetic diseases. Identifiers: MedGen C0950123, MeSH D030342.

Allele frequency attached by ClinVar (database versions not stated): ExAC 0.00004; 1000 Genomes Project 0.00020; 1000 Genomes Project 30x 0.00031.
gnomAD v4.1: 50 of 1,613,908 alleles (0.0031%); highest among the groups gnomAD compares: South Asian, 0.016%; no homozygotes.

Submissions (2):

CeGaT Center for Human Genetics Tuebingen
Classification: Likely benign. Last evaluated: 2025-03-01. Review status: criteria provided, single submitter. Criteria: CeGaT Center For Human Genetics Tuebingen Variant Classification Criteria Version 2. Collection method: clinical testing. Allele origin: germline. Affected: yes. Observed: 2 variant alleles.
Comment: HDAC4: BP4, BP7

Ambry Genetics
Classification: Likely benign for Inborn genetic diseases. Last evaluated: 2024-11-15. Review status: criteria provided, single submitter. Criteria: Ambry Variant Classification Scheme 2023. Collection method: clinical testing. Allele origin: germline.